The following is an entry in ClinVar:

NM_000166.6(GJB1):c.502T>G (p.Cys168Gly)

Gene: GJB1 (gap junction protein beta 1; plus strand). Cytogenetic location: Xq13.1.
Variant type: single nucleotide variant.
Coding change: c.502T>G on transcript NM_000166.6 (MANE Select); coding-DNA position 502, T replaced by G.
Protein change: p.Cys168Gly; replaces cysteine 168 with glycine.
Molecular consequence: missense variant.
Genome position (GRCh38, 1-based): chrX:71,224,209, T>G. VCF-style: chrX-71224209-T-G. GRCh37 (hg19) VCF-style: chrX-70444059-T-G.
Other names: c.502T>G, p.Cys168Gly (NM_001097642.3); short protein forms C168G.
Identifiers: ClinVar variation 373934 (VCV000373934.6), dbSNP rs1057518780, ClinGen allele CA16043600.

ClinVar aggregate classification (germline): Conflicting classifications of pathogenicity. Review status: criteria provided, conflicting classifications (1 of 4 stars). 4 submissions from 2 submitters: Likely pathogenic (2); Uncertain significance (1). 1 of the submissions does not count toward it. Last evaluated 2024-04-30.

Conditions:
Charcot-Marie-Tooth Neuropathy X. Identifiers: MedGen CN118851.
Charcot-Marie-Tooth disease X-linked dominant 1. Also called: X-linked Charcot-Marie-Tooth disease type 1; Charcot-Marie-Tooth Neuropathy X Type 1; CHARCOT-MARIE-TOOTH NEUROPATHY, X-LINKED, 1; CHARCOT-MARIE-TOOTH PERONEAL MUSCULAR ATROPHY, X-LINKED; GJB1 Disorders: Charcot-Marie-Tooth Neuropathy (CMT1X) and Central Nervous System Phenotypes; HEREDITARY MOTOR AND SENSORY NEUROPATHY, X-LINKED. Identifiers: Orphanet 101075, MedGen C0393808, MONDO:0010549, OMIM 302800.
Pes cavus. Identifiers: MedGen C0728829, HP:0001761.
Hand muscle atrophy. Identifiers: MedGen C0239830, HP:0009130.
Peroneal muscle atrophy. Identifiers: MedGen C1389118, HP:0009049.
Distal lower limb muscle weakness. Identifiers: MedGen C1836450, HP:0009053.
Hammertoe. Identifiers: MedGen C1136179, HP:0001765.
Distal muscle weakness. Identifiers: MedGen C0427065, HP:0002460.
Decreased nerve conduction velocity. Identifiers: MedGen C1857640, HP:0000762.
Sensory neuropathy. Identifiers: MedGen C0151313, MONDO:0002321, HP:0000763.

Submissions (4):

Labcorp Genetics (formerly Invitae), Labcorp
Classification: Uncertain significance for Charcot-Marie-Tooth Neuropathy X. Last evaluated: 2024-04-30. Review status: criteria provided, single submitter. Criteria: Invitae Variant Classification Sherloc (09022015). Collection method: clinical testing. Allele origin: germline.
Comment: This sequence change replaces cysteine, which is neutral and slightly polar, with glycine, which is neutral and non-polar, at codon 168 of the GJB1 protein (p.Cys168Gly). This variant is not present in population databases (gnomAD no frequency). This variant has not been reported in the literature in individuals affected with GJB1-related conditions. ClinVar contains an entry for this variant (Variation ID: 373934). Advanced modeling of protein sequence and biophysical properties (such as structural, functional, and spatial information, amino acid conservation, physicochemical variation, residue mobility, and thermodynamic stability) performed at Invitae indicates that this missense variant is expected to disrupt GJB1 protein function with a positive predictive value of 80%. This variant disrupts the p.Cys168 amino acid residue in GJB1. Other variant(s) that disrupt this residue have been observed in individuals with GJB1-related conditions (PMID: 12325071, 15241803), which suggests that this may be a clinically significant amino acid residue. In summary, the available evidence is currently insufficient to determine the role of this variant in disease. Therefore, it has been classified as a Variant of Uncertain Significance.

Centre for Mendelian Genomics, University Medical Centre Ljubljana
Classification: Likely pathogenic for Charcot-Marie-Tooth disease X-linked dominant 1. Last evaluated: 2016-01-01. Review status: criteria provided, single submitter. Criteria: ACMG Guidelines, 2015. Collection method: clinical testing. Allele origin: unknown. Affected: yes.
Comment: This variant was classified as: Likely pathogenic. The following ACMG criteria were applied in classifying this variant: PM2,PM5,PP3,PP5.

Centre for Mendelian Genomics, University Medical Centre Ljubljana
Classification: Likely pathogenic for Decreased nerve conduction velocity; Distal muscle weakness; Hammertoe; Pes cavus; Sensory neuropathy. Last evaluated: 2014-11-27. Review status: criteria provided, single submitter. Criteria: ACMG Guidelines, 2015. Collection method: clinical testing. Allele origin: unknown. Affected: yes.

Centre for Mendelian Genomics, University Medical Centre Ljubljana
Classification: Likely pathogenic for Distal lower limb muscle weakness; Hand muscle atrophy; Peroneal muscle atrophy; Pes cavus. Last evaluated: 2016-08-10. Review status: no assertion criteria provided. Collection method: clinical testing. Allele origin: unknown. Affected: yes. Not counted in ClinVar's aggregate classification.

Literature cited by the submitters: PubMed 12325071 (cited by Labcorp Genetics (formerly Invitae), Labcorp); PubMed 15241803 (cited by Labcorp Genetics (formerly Invitae), Labcorp).